The following is an entry in ClinVar:

ClinVar aggregate classification (germline): Pathogenic (1 of 4 stars; one submission).

Submission:

GeneDx
Classification: Pathogenic. Last evaluated: 2022-12-22. Review status: criteria provided, single submitter. Criteria: GeneDx Variant Classification Process June 2021. Collection method: clinical testing. Allele origin: germline. Affected: yes.
Comment: Frameshift variant predicted to result in protein truncation or nonsense mediated decay in a gene for which loss of function is a known mechanism of disease; Not observed at significant frequency in large population cohorts (gnomAD); This variant is associated with the following publications: (PMID: 21158681)

NM_017780.4(CHD7):c.6018del (p.Lys2006fs)

Gene: CHD7 (chromodomain helicase DNA binding protein 7; plus strand). Cytogenetic location: 8q12.2.
Variant type: Deletion.
Coding change: c.6018del on transcript NM_017780.4 (MANE Select); coding-DNA position 6018, one base deleted (A; older notation c.6018delA).
Protein change: p.Lys2006fs; shifts the reading frame from lysine 2006.
Molecular consequence: frameshift variant. On other transcripts: intron variant (1).
Genome position (GRCh38, 1-based): chr8:60,852,621, A deleted; the last of 6 consecutive A bases (chr8:60,852,616-60,852,621); deleting any one gives the same sequence. VCF-style (leftmost placement, unchanged base first): chr8-60852615-CA-C. GRCh37 (hg19) VCF-style: chr8-61765174-CA-C.
Other names: c.6018delA, p.Lys2006Asnfs (NM_017780.2); c.1717-9608del (NM_001316690.1); short protein forms K2006fs.
Identifiers: ClinVar variation 1806769 (VCV001806769.1), dbSNP rs1586444636, ClinGen allele CA2580078848.
Genomic context (GRCh38, chr8:60,852,615, plus strand): 5'-TTTTGACCCTGTGAAACAGCAATTTGACTGGAACCAATTTAGAGCCTTTGCCAGGCTTGA[CA>C]AAAAATCTGATGAGAGTTTGGAGAAATACTTCAGTTGTTTTGTGGCCATGTGTAGGCGAG-3'